The following is an entry in ClinVar:

NM_000128.4(F11):c.1503_1504insGCAGACGATCA (p.Pro502fs)

Genes: F11 (coagulation factor XI; plus strand), F11-AS1 (F11 antisense RNA 1; minus strand). Cytogenetic location: 4q35.2.
Variant type: Insertion.
Coding change: c.1503_1504insGCAGACGATCA on transcript NM_000128.4 (MANE Select); coding-DNA positions 1503 to 1504, GCAGACGATCA inserted.
Protein change: p.Pro502fs; shifts the reading frame from proline 502.
Molecular consequence: frameshift variant. On other transcripts: intron variant (4).
Genome position: GRCh38 VCF-style: chr4-186286437-G-GGCAGACGATCA. GRCh37 (hg19) VCF-style: chr4-187207591-G-GGCAGACGATCA.
Other names: c.1455_1456insGCAGACGATCA, p.Pro486fs (NM_001440590.1); c.1233_1234insGCAGACGATCA, p.Pro412fs (NM_001440605.1); c.1185_1186insGCAGACGATCA, p.Pro396fs (NM_001440606.1); c.1480+624_1480+625insGCAGACGATCA (NM_001440593.1); c.1432+624_1432+625insGCAGACGATCA (NM_001440596.1); c.1210+624_1210+625insGCAGACGATCA (NM_001440607.1); c.1162+624_1162+625insGCAGACGATCA (NM_001440608.1); short protein forms P396fs, P412fs, P486fs, P502fs.
Identifiers: ClinVar variation 5010347 (VCV005010347.1).

ClinVar aggregate classification (germline): Pathogenic (1 of 4 stars; one submission).

Conditions:
Hereditary factor XI deficiency disease. Also called: PLASMA THROMBOPLASTIN ANTECEDENT DEFICIENCY; PTA DEFICIENCY; ROSENTHAL SYNDROME; Congenital factor XI deficiency. Identifiers: Orphanet 329, MedGen C0015523, MeSH D005173, MONDO:0012897, OMIM 612416.

Submission:

Myriad Genetics, Inc.
Classification: Pathogenic for Hereditary factor XI deficiency disease. Last evaluated: 2024-05-14. Review status: criteria provided, single submitter. Criteria: Myriad Autosomal Dominant, Autosomal Recessive and X-Linked Classification Criteria (2023). Collection method: clinical testing. Allele origin: unknown.
Comment: NM_000128.3(F11):c.1503_1504ins11(P502Afs*12) is expected to be pathogenic in the context of factor XI deficiency. This variant is predicted to lead to an abnormal or absent protein product due to the creation of a premature termination codon in F11, a gene where loss-of-function variants are known to be pathogenic. Please note: this variant was assessed in the context of healthy population screening.